The following is an entry in ClinVar:

NM_020975.6(RET):c.2448C>A (p.Leu816=)

Gene: RET (ret proto-oncogene; plus strand). Cytogenetic location: 10q11.21.
Variant type: single nucleotide variant.
Coding change: c.2448C>A on transcript NM_020975.6 (MANE Select); coding-DNA position 2448, C replaced by A.
Protein change: p.Leu816=; no amino-acid change (leucine 816 retained).
Molecular consequence: synonymous variant.
Genome position (GRCh38, 1-based): chr10:43,119,586, C>A. VCF-style: chr10-43119586-C-A. GRCh37 (hg19) VCF-style: chr10-43615034-C-A.
Other names: c.2448C>A, p.Leu816= (NM_000323.2, NM_001406743.1, NM_001406744.1 and 4 more transcripts); c.1686C>A, p.Leu562= (NM_001355216.2); c.2319C>A, p.Leu773= (NM_001406761.1, NM_001406762.1, NM_001406764.1); c.2313C>A, p.Leu771= (NM_001406763.1, NM_001406765.1); c.2160C>A, p.Leu720= (NM_001406766.1, NM_001406767.1, NM_001406770.1); c.2184C>A, p.Leu728= (NM_001406768.1); c.2052C>A, p.Leu684= (NM_001406769.1, NM_001406772.1); c.2010C>A, p.Leu670= (NM_001406771.1, NM_001406773.1); and 10 more.
Identifiers: ClinVar variation 486305 (VCV000486305.18), dbSNP rs368500000, ClinGen allele CA039290.

ClinVar aggregate classification (germline): Benign/Likely benign. Review status: criteria provided, multiple submitters, no conflicts (2 of 4 stars). 6 submissions from 6 submitters: Benign (1); Likely benign (5). Last evaluated 2025-10-21.

Conditions:
Multiple endocrine neoplasia type 2A. Also called: MULTIPLE ENDOCRINE NEOPLASIA, TYPE IIA; PTC SYNDROME; SIPPLE SYNDROME; MEN 2A; MEN-2A syndrome; Pheochromocytoma and amyloid producing medullary thyroid carcinoma. Identifiers: Orphanet 247698, Orphanet 653, MedGen C0025268, MeSH D018813, MONDO:0008234, OMIM 171400.
Hereditary cancer-predisposing syndrome. Also called: Tumor predisposition; Hereditary Cancer Syndrome; Neoplastic Syndromes, Hereditary; Hereditary neoplastic syndrome. Identifiers: Orphanet 140162, MedGen C0027672, MeSH D009386, MONDO:0015356.
Multiple endocrine neoplasia, type 2 (MEN2). Identifiers: Orphanet 653, MedGen C4048306, MONDO:0019003. Disease mechanism: gain of function.

Allele frequency attached by ClinVar (database versions not stated): ExAC below 0.00001; gnomAD 0.00001; TOPMed 0.00001; ESP Exome Variant Server 0.00008.
gnomAD v4.1: 21 of 1,611,510 alleles (0.0013%); highest among the groups gnomAD compares: Non-Finnish European, 0.0016%; no homozygotes.

Submissions (6):

Labcorp Genetics (formerly Invitae), Labcorp
Classification: Likely benign for Multiple endocrine neoplasia, type 2. Last evaluated: 2025-10-21. Review status: criteria provided, single submitter. Criteria: Invitae Variant Classification Sherloc (09022015). Collection method: clinical testing. Allele origin: germline.

Myriad Genetics, Inc.
Classification: Benign for Multiple endocrine neoplasia type 2A. Last evaluated: 2025-02-27. Review status: criteria provided, single submitter. Criteria: Myriad Autosomal Dominant, Autosomal Recessive and X-Linked Classification Criteria (2023). Collection method: clinical testing. Allele origin: unknown.
Comment: This variant is considered benign. This variant is a silent/synonymous amino acid change and it is not expected to impact splicing.

All of Us Research Program, National Institutes of Health
Classification: Likely benign for Multiple endocrine neoplasia, type 2. Last evaluated: 2023-12-13. Review status: criteria provided, single submitter. Criteria: ACMG Guidelines, 2015. Collection method: clinical testing. Allele origin: germline. Inheritance: Autosomal dominant inheritance. Observed: 1 variant allele, 1 heterozygote.
Comment: This study involves interpretation of variants in research participants for the purpose of population health screening. Participant phenotype was not available at the time of variant classification. Additional details can be found in publication PMID: 35346344, PMCID: PMC8962531

Color Diagnostics, LLC DBA Color Health
Classification: Likely benign for Multiple endocrine neoplasia, type 2. Last evaluated: 2022-09-29. Review status: criteria provided, single submitter. Criteria: ACMG Guidelines, 2015. Collection method: clinical testing. Allele origin: germline.

Blueprint Genetics
Classification: Likely benign. Last evaluated: 2020-11-27. Review status: criteria provided, single submitter. Criteria: ACMG Guidelines, 2015. Collection method: clinical testing. Allele origin: germline.

Ambry Genetics
Classification: Likely benign for Hereditary cancer-predisposing syndrome. Last evaluated: 2017-08-01. Review status: criteria provided, single submitter. Criteria: Ambry Variant Classification Scheme 2023. Collection method: clinical testing. Allele origin: germline.